The following is an entry in ClinVar:

ClinVar aggregate classification (germline): Uncertain significance (1 of 4 stars; one submission).

Conditions:
PCNT-related disorder. Also called: PCNT-related condition.

Submission:

PreventionGenetics, part of Exact Sciences
Classification: Uncertain significance for PCNT-related condition. Last evaluated: 2026-05-06. Review status: criteria provided, single submitter. Criteria: ACMG Guidelines, 2015. Collection method: clinical testing. Allele origin: germline.
Comment: The PCNT c.7609_7611delGAG variant is predicted to result in an in-frame deletion (p.Glu2537del). To our knowledge, this variant has not been reported in the literature. This variant has been reported in one heterozygous individuals within the ‘other’ subpopulation in gnomAD. At this time, the clinical significance of this variant is uncertain due to the absence of conclusive functional and genetic evidence.

NM_006031.6(PCNT):c.7609_7611del (p.Glu2537del)

Gene: PCNT (pericentrin; plus strand). Cytogenetic location: 21q22.3.
Variant type: Deletion.
Coding change: c.7609_7611del on transcript NM_006031.6 (MANE Select); coding-DNA positions 7609 to 7611, 3 bases deleted (GAG; older notation c.7609_7611delGAG).
Protein change: p.Glu2537del; deletes glutamic acid 2537.
Molecular consequence: inframe deletion.
Genome position (GRCh38, 1-based): chr21:46,428,509-46,428,511, GAG deleted; deleting any 3 consecutive bases within chr21:46,428,507-46,428,511 gives the same sequence; the c. name uses the placement nearest the transcript's 3' end. VCF-style (leftmost placement, unchanged base first): chr21-46428506-CAGG-C. GRCh37 (hg19) VCF-style: chr21-47848420-CAGG-C.
Other names: c.7255_7257del, p.Glu2419del (NM_001315529.2); short protein forms E2419del, E2537del.
Identifiers: ClinVar variation 4994690 (VCV004994690.1).